The following is an entry in ClinVar:

NM_001048174.2(MUTYH):c.310G>A (p.Val104Ile)

Gene: MUTYH (mutY DNA glycosylase; minus strand). Cytogenetic location: 1p34.1.
Variant type: single nucleotide variant.
Coding change: c.310G>A on transcript NM_001048174.2 (MANE Select); coding-DNA position 310, G replaced by A.
Protein change: p.Val104Ile; replaces valine 104 with isoleucine.
Molecular consequence: missense variant. On other transcripts: non-coding transcript variant (1), intron variant (2).
Genome position (GRCh38, 1-based): chr1:45,333,165, C>T on the plus strand (G>A on the coding strand, the complement: MUTYH is on the minus strand). VCF-style: chr1-45333165-C-T. GRCh37 (hg19) VCF-style: chr1-45798837-C-T.
Other names: c.310G>A, p.Val104Ile (NM_001048171.2, NM_001048173.2, NM_001293195.2); c.313G>A, p.Val105Ile (NM_001048172.2); c.394G>A, p.Val132Ile (NM_001128425.2); c.355G>A, p.Val119Ile (NM_001293190.2); c.343G>A, p.Val115Ile (NM_001293191.2); c.34G>A, p.Val12Ile (NM_001293192.2, NM_001293196.2); c.385G>A, p.Val129Ile (NM_012222.3); c.33+120G>A (NM_001350651.2, NM_001350650.2); short protein forms V132I, V115I, V119I, V104I, V105I, V129I, V12I.
Identifiers: ClinVar variation 185604 (VCV000185604.33), dbSNP rs763273196, ClinGen allele CA013526.
Genomic context (GRCh38, chr1:45,333,165, plus strand): 5'-ATCCGGTATAGTAGTTGATCACAGTGGCAACCTGGGTCTGCTGCAGCATGACCTCTGAGA[C>T]CCACACTGGGGGAAAGGGGTTGGCATGAGGACACTGCTGACCTGCCCCTACCTGGCCCAC-3'
Protein context (NP_001041639.1, residues 94-114): DLDRRAYAVW[Val104Ile]SEVMLQQTQV

ClinVar aggregate classification (germline): Conflicting classifications of pathogenicity. Review status: criteria provided, conflicting classifications (1 of 4 stars). 9 submissions from 9 submitters: Uncertain significance (8); Likely benign (1). Last evaluated 2025-11-10.

Conditions:
Familial adenomatous polyposis 2. Also called: FAP type 2; Adenomas, multiple colorectal; MUTYH Polyposis; MYH-associated polyposis; MUTYH-associated polyposis; MUTYH-related attenuated familial adenomatous polyposis. Identifiers: Orphanet 220460, Orphanet 247798, MedGen C3272841, MONDO:0012041, OMIM 608456.
Gastric cancer. Also called: Stomach cancer; Malignant tumor of stomach. Identifiers: MedGen C0024623, MeSH D013274, MONDO:0001056, OMIM 613659, HP:0012126.
Hereditary cancer-predisposing syndrome. Also called: Tumor predisposition; Neoplastic Syndromes, Hereditary; Hereditary Cancer Syndrome; Hereditary neoplastic syndrome. Identifiers: Orphanet 140162, MedGen C0027672, MeSH D009386, MONDO:0015356.

Allele frequency attached by ClinVar (database versions not stated): gnomAD exomes below 0.00001 and 0.00001; ExAC 0.00001; gnomAD 0.00001.

Submissions (9):

Labcorp Genetics (formerly Invitae), Labcorp
Classification: Uncertain significance for Familial adenomatous polyposis 2. Last evaluated: 2025-11-10. Review status: criteria provided, single submitter. Criteria: Invitae Variant Classification Sherloc (09022015). Collection method: clinical testing. Allele origin: germline.
Comment: This sequence change replaces valine, which is neutral and non-polar, with isoleucine, which is neutral and non-polar, at codon 132 of the MUTYH protein (p.Val132Ile). This variant is present in population databases (rs763273196, gnomAD 0.0009%). This variant has not been reported in the literature in individuals affected with MUTYH-related conditions. ClinVar contains an entry for this variant (Variation ID: 185604). An algorithm developed to predict the effect of missense changes on protein structure and function (PolyPhen-2) suggests that this variant is likely to be disruptive. In summary, the available evidence is currently insufficient to determine the role of this variant in disease. Therefore, it has been classified as a Variant of Uncertain Significance.

Ambry Genetics
Classification: Likely benign for Hereditary cancer-predisposing syndrome. Last evaluated: 2025-09-09. Review status: criteria provided, single submitter. Criteria: Ambry Variant Classification Scheme 2023. Collection method: clinical testing. Allele origin: germline.

Color Diagnostics, LLC DBA Color Health
Classification: Uncertain significance for Hereditary cancer-predisposing syndrome. Last evaluated: 2025-07-08. Review status: criteria provided, single submitter. Criteria: ACMG Guidelines, 2015. Collection method: clinical testing. Allele origin: germline.
Comment: This missense variant replaces valine with isoleucine at codon 132 of the MUTYH protein. Computational prediction is inconclusive regarding the impact of this variant on protein structure and function. To our knowledge, functional studies have not been reported for this variant. This variant has not been reported in individuals affected with MUTYH-related disorders in the literature. This variant has been identified in 1/251414 chromosomes in the general population by the Genome Aggregation Database (gnomAD). The available evidence is insufficient to determine the role of this variant in disease conclusively. Therefore, this variant is classified as a Variant of Uncertain Significance.

Quest Diagnostics Nichols Institute San Juan Capistrano
Classification: Uncertain significance. Last evaluated: 2024-05-13. Review status: criteria provided, single submitter. Criteria: Quest Diagnostics criteria. Collection method: clinical testing. Allele origin: unknown.
Comment: The MUTYH c.394G>A (p.Val132Ile) variant has been reported in the published literature in an individual with lung cancer (PMID: 26689913 (2015)). The frequency of this variant in the general population, 0.000004 (1/251414 chromosomes (Genome Aggregation Database)), is uninformative in the assessment of its pathogenicity. Analysis of this variant using bioinformatics tools for the prediction of the effect of amino acid changes on protein structure and function yielded predictions that this variant is damaging. Based on the available information, we are unable to determine the clinical significance of this variant.

All of Us Research Program, National Institutes of Health
Classification: Uncertain significance for Familial adenomatous polyposis 2. Last evaluated: 2024-02-05. Review status: criteria provided, single submitter. Criteria: ACMG Guidelines, 2015. Collection method: clinical testing. Allele origin: germline. Inheritance: Autosomal recessive inheritance. Observed: 4 variant alleles, 4 heterozygotes.
Comment: This missense variant replaces valine with isoleucine at codon 132 of the MUTYH protein. Computational prediction is inconclusive regarding the impact of this variant on protein structure and function (internally defined REVEL score threshold 0.5 < inconclusive < 0.7, PMID: 27666373). To our knowledge, functional studies have not been reported for this variant. This variant has not been reported in individuals affected with MUTYH-related disorders in the literature. This variant has been identified in 1/251414 chromosomes in the general population by the Genome Aggregation Database (gnomAD). The available evidence is insufficient to determine the role of this variant in disease conclusively. Therefore, this variant is classified as a Variant of Uncertain Significance.

This study involves interpretation of variants in research participants for the purpose of population health screening. Participant phenotype was not available at the time of variant classification. Additional details can be found in publication PMID: 35346344, PMCID: PMC8962531

Baylor Genetics
Classification: Uncertain significance for Familial adenomatous polyposis 2. Last evaluated: 2024-01-22. Review status: criteria provided, single submitter. Criteria: ACMG Guidelines, 2015. Collection method: clinical testing. Allele origin: unknown.

Fulgent Genetics
Classification: Uncertain significance for Familial adenomatous polyposis 2; Gastric cancer. Last evaluated: 2021-12-15. Review status: criteria provided, single submitter. Criteria: ACMG Guidelines, 2015. Collection method: clinical testing. Allele origin: unknown.

Women's Health and Genetics/Laboratory Corporation of America, LabCorp
Classification: Uncertain significance. Last evaluated: 2021-09-14. Review status: criteria provided, single submitter. Criteria: LabCorp Variant Classification Summary - May 2015. Collection method: clinical testing. Allele origin: germline.
Comment: Variant summary: MUTYH c.394G>A (p.Val132Ile) results in a conservative amino acid change located in the HhH-GPD domain (IPR003265) of the encoded protein sequence. Three of five in-silico tools predict a damaging effect of the variant on protein function. The variant allele was found at a frequency of 4e-06 in 251414 control chromosomes (gnomAD). The available data on variant occurrences in the general population are insufficient to allow any conclusion about variant significance. c.394G>A has been reported in the literature in four individuals affected with different types of cancer in one family (Tsai_2019). These report does not provide unequivocal conclusions about association of the variant with MUTYH-Associated Polyposis. Additionally, co-occurrences with another pathogenic variant have been reported (RAD51D exon 7-10 deletion), providing supporting evidence for a benign role. To our knowledge, no experimental evidence demonstrating an impact on protein function has been reported. Four ClinVar submitters (evaluation after 2014) cite the variant as uncertain significance. Based on the evidence outlined above, the variant was classified as uncertain significance.

GeneDx
Classification: Uncertain significance. Last evaluated: 2021-08-20. Review status: criteria provided, single submitter. Criteria: GeneDx Variant Classification Process June 2021. Collection method: clinical testing. Allele origin: germline. Affected: yes.
Comment: Not observed at significant frequency in large population cohorts (Lek 2016); In silico analysis supports that this missense variant does not alter protein structure/function; Has not been previously published as pathogenic or benign to our knowledge

Literature cited by the submitters: PubMed 40738107 (cited by Ambry Genetics); PubMed 30374176 (cited by Quest Diagnostics Nichols Institute San Juan Capistrano and Women's Health and Genetics/Laboratory Corporation of America, LabCorp); PubMed 26689913 (cited by Quest Diagnostics Nichols Institute San Juan Capistrano and Women's Health and Genetics/Laboratory Corporation of America, LabCorp).